The following is an entry in ClinVar:

ClinVar aggregate classification (germline): Pathogenic (1 of 4 stars; one submission).

Submission:

Labcorp Genetics (formerly Invitae), Labcorp
Classification: Pathogenic. Last evaluated: 2020-10-08. Review status: criteria provided, single submitter. Criteria: Invitae Variant Classification Sherloc (09022015). Collection method: clinical testing. Allele origin: germline.
Comment: This variant is a gross deletion of the genomic region encompassing exon 1 of the RS1 gene, which includes the initiator codon. The 5' end of this event is unknown as it extends beyond the assayed region for this gene and therefore may encompass additional genes. The 3' boundary is likely confined to intron 1 of the RS1 gene. This is expected to result in an absent or disrupted protein product. Similar deletions have been observed in individual(s) with retinoschisis (PMID: 9618178, 10220153). Loss-of-function variants in RS1 are known to be pathogenic (PMID: 9618178, 17172462). For these reasons, this variant has been classified as Pathogenic.

Literature cited by the submitters: PubMed 9618178; PubMed 10220153; PubMed 17172462.

NC_000023.10:g.(?_18690137)_(18690188_?)del

Gene: RS1 (retinoschisin 1; minus strand). Cytogenetic location: Xp22.13.
Variant type: Deletion.
Identifiers: ClinVar variation 1076978 (VCV001076978.1).